The following is an entry in ClinVar:

ClinVar aggregate classification (germline): Uncertain significance (1 of 4 stars; one submission).

Submission:

Labcorp Genetics (formerly Invitae), Labcorp
Classification: Uncertain significance. Last evaluated: 2022-07-05. Review status: criteria provided, single submitter. Criteria: Invitae Variant Classification Sherloc (09022015). Collection method: clinical testing. Allele origin: germline.
Comment: A copy number gain of the genomic region encompassing the full coding sequence of the FBXW4 gene has been identified. The boundaries of this event are unknown as they extend beyond the assayed region for this gene and therefore may encompass additional genes. As the precise location of this event is unknown, it may be in tandem or it may be located elsewhere in the genome. Isolated whole-gene copy number gains of FBXW4 have not been reported in the literature. However, larger copy number events that include this gene have been reported (PMID: 21485001). In summary, the available evidence is currently insufficient to determine the role of this variant in disease. Therefore, it has been classified as a Variant of Uncertain Significance.

Literature cited by the submitters: PubMed 21485001.

NC_000010.10:g.(?_102987027)_(103530396_?)dup

Genes: BTRC (beta-transducin repeat containing E3 ubiquitin protein ligase; plus strand), DPCD (deleted in primary ciliary dyskinesia homolog (mouse); plus strand), FBXW4 (F-box and WD repeat domain containing 4; minus strand), FGF8 (fibroblast growth factor 8; minus strand), LBX1 (ladybird homeobox 1; minus strand) and 1 more. Cytogenetic location: 10q24.31-24.32.
Variant type: Duplication.
Identifiers: ClinVar variation 1412304 (VCV001412304.4).